The following is an entry in ClinVar:

NM_007217.4(PDCD10):c.71C>T (p.Ala24Val)

Gene: PDCD10 (programmed cell death 10; minus strand). Cytogenetic location: 3q26.1.
Variant type: single nucleotide variant.
Coding change: c.71C>T on transcript NM_007217.4 (MANE Select); coding-DNA position 71, C replaced by T.
Protein change: p.Ala24Val; replaces alanine 24 with valine.
Molecular consequence: missense variant.
Genome position (GRCh38, 1-based): chr3:167,720,087, G>A on the plus strand (C>T on the coding strand, the complement: PDCD10 is on the minus strand). VCF-style: chr3-167720087-G-A. GRCh37 (hg19) VCF-style: chr3-167437875-G-A.
Other names: c.71C>T, p.Ala24Val (NM_145859.2, NM_145860.2); short protein forms A24V.
Identifiers: ClinVar variation 2111281 (VCV002111281.4), dbSNP rs1723420400, ClinGen allele CA355155161.

ClinVar aggregate classification (germline): Uncertain significance (1 of 4 stars; one submission).

Conditions:
Cerebral cavernous malformation 3. Also called: Familial Cerebral Cavernous Malformation 3. Identifiers: Orphanet 221061, MedGen C1864040, MONDO:0011305, OMIM 603285.

Submission:

Labcorp Genetics (formerly Invitae), Labcorp
Classification: Uncertain significance for Cerebral cavernous malformation 3. Last evaluated: 2022-03-13. Review status: criteria provided, single submitter. Criteria: Invitae Variant Classification Sherloc (09022015). Collection method: clinical testing. Allele origin: germline.
Comment: This sequence change replaces alanine, which is neutral and non-polar, with valine, which is neutral and non-polar, at codon 24 of the PDCD10 protein (p.Ala24Val). This variant is not present in population databases (gnomAD no frequency). This variant has not been reported in the literature in individuals affected with PDCD10-related conditions. Algorithms developed to predict the effect of missense changes on protein structure and function (SIFT, PolyPhen-2, Align-GVGD) all suggest that this variant is likely to be tolerated. In summary, the available evidence is currently insufficient to determine the role of this variant in disease. Therefore, it has been classified as a Variant of Uncertain Significance.